The following is an entry in ClinVar:

ClinVar aggregate classification (germline): Conflicting classifications of pathogenicity. Review status: criteria provided, conflicting classifications (1 of 4 stars). 3 submissions from 3 submitters: Uncertain significance (2); Likely benign (1). Last evaluated 2024-02-01.

Allele frequency attached by ClinVar (database versions not stated): ExAC 0.00002; gnomAD exomes 0.00002.
gnomAD v4.1: 21 of 1,610,030 alleles (0.0013%); highest among the groups gnomAD compares: South Asian, 0.02%; 1 homozygote.

Submissions (3):

Labcorp Genetics (formerly Invitae), Labcorp
Classification: Likely benign. Last evaluated: 2024-02-01. Review status: criteria provided, single submitter. Criteria: Invitae Variant Classification Sherloc (09022015). Collection method: clinical testing. Allele origin: germline.

Revvity Omics, Revvity
Classification: Uncertain significance. Last evaluated: 2022-03-16. Review status: criteria provided, single submitter. Criteria: ACMG Guidelines, 2015. Collection method: clinical testing. Allele origin: germline.

GeneDx
Classification: Uncertain significance. Last evaluated: 2019-08-26. Review status: criteria provided, single submitter. Criteria: GeneDx Variant Classification Process June 2021. Collection method: clinical testing. Allele origin: germline. Affected: yes.
Comment: In silico analysis, which includes protein predictors and evolutionary conservation, supports that this variant does not alter protein structure/function; Has not been previously published as pathogenic or benign to our knowledge

NM_000092.5(COL4A4):c.110A>G (p.Tyr37Cys)

Gene: COL4A4 (collagen type IV alpha 4 chain; minus strand). Cytogenetic location: 2q36.3.
Variant type: single nucleotide variant.
Coding change: c.110A>G on transcript NM_000092.5 (MANE Select); coding-DNA position 110, A replaced by G.
Protein change: p.Tyr37Cys; replaces tyrosine 37 with cysteine.
Molecular consequence: missense variant.
Genome position (GRCh38, 1-based): chr2:227,144,520, T>C on the plus strand (A>G on the coding strand, the complement: COL4A4 is on the minus strand). VCF-style: chr2-227144520-T-C. GRCh37 (hg19) VCF-style: chr2-228009236-T-C.
Other names: short protein forms Y37C.
Identifiers: ClinVar variation 1308183 (VCV001308183.8), dbSNP rs750707504, ClinGen allele CA2145804.